The following is an entry in ClinVar:

NM_001378615.1(CC2D2A):c.786C>T (p.Asp262=)

Genes: CC2D2A (coiled-coil and C2 domain containing 2A; plus strand), FBXL5 (F-box and leucine rich repeat protein 5; minus strand). Cytogenetic location: 4p15.32.
Variant type: single nucleotide variant.
Coding change: c.786C>T on transcript NM_001378615.1 (MANE Select); coding-DNA position 786, C replaced by T.
Protein change: p.Asp262=; no amino-acid change (aspartic acid 262 retained).
Molecular consequence: synonymous variant.
Genome position (GRCh38, 1-based): chr4:15,514,775, C>T. VCF-style: chr4-15514775-C-T. GRCh37 (hg19) VCF-style: chr4-15516398-C-T.
Other names: c.786C>T, p.Asp262= (NM_001080522.2); c.639C>T, p.Asp213= (NM_001378617.1).
Identifiers: ClinVar variation 1109803 (VCV001109803.15), dbSNP rs200434902, ClinGen allele CA2863495.

ClinVar aggregate classification (germline): Likely benign. Review status: criteria provided, multiple submitters, no conflicts (2 of 4 stars). 4 submissions from 4 submitters: Likely benign (4). Last evaluated 2026-01-19.

Conditions:
COACH syndrome 2. Identifiers: MedGen C5436837, MONDO:0030859, OMIM 619111.
Retinitis pigmentosa 93. Identifiers: MedGen C5676970, MONDO:0030797, OMIM 619845.
Meckel syndrome, type 6. Identifiers: Orphanet 564, MedGen C2676790, MONDO:0012848, OMIM 612284.
Joubert syndrome 9 (JBTS9). Identifiers: Orphanet 2318, MedGen C2676788, MONDO:0012849, OMIM 612285.
Joubert syndrome. Also called: JOUBERT-BOLTSHAUSER SYNDROME; Familial aplasia of the vermis. Identifiers: Orphanet 475, MedGen C5979921, MONDO:0018772.
Meckel-Gruber syndrome. Also called: DYSENCEPHALIA SPLANCHNOCYSTICA; GRUBER SYNDROME; Dysencephalia splachnocystica. Identifiers: Orphanet 564, MedGen C0265215, MONDO:0018921.

Allele frequency attached by ClinVar (database versions not stated): ESP Exome Variant Server 0.00008; gnomAD 0.00009 and 0.00011; ExAC 0.00015; TOPMed 0.00016; gnomAD exomes 0.00017; 1000 Genomes Project 30x 0.00031; 1000 Genomes Project 0.00040.
gnomAD v4.1: 162 of 1,612,980 alleles (0.01%); highest among the groups gnomAD compares: East Asian, 0.24%; no homozygotes.

Submissions (4):

Labcorp Genetics (formerly Invitae), Labcorp
Classification: Likely benign for Joubert syndrome; Meckel-Gruber syndrome. Last evaluated: 2026-01-19. Review status: criteria provided, single submitter. Criteria: Invitae Variant Classification Sherloc (09022015). Collection method: clinical testing. Allele origin: germline.

CeGaT Center for Human Genetics Tuebingen
Classification: Likely benign. Last evaluated: 2026-01-01. Review status: criteria provided, single submitter. Criteria: CeGaT Center For Human Genetics Tuebingen Variant Classification Criteria Version 2. Collection method: clinical testing. Allele origin: germline. Affected: yes. Observed: 1 variant allele.
Comment: CC2D2A: BP4, BP7

Blueprint Genetics
Classification: Likely benign. Last evaluated: 2024-10-07. Review status: criteria provided, single submitter. Criteria: ACMG Guidelines, 2015. Collection method: clinical testing. Allele origin: germline.

Fulgent Genetics
Classification: Likely benign for Meckel syndrome, type 6; Joubert syndrome 9; COACH syndrome 2; Retinitis pigmentosa 93. Last evaluated: 2021-07-09. Review status: criteria provided, single submitter. Criteria: ACMG Guidelines, 2015. Collection method: clinical testing. Allele origin: unknown.